The following continues an entry in ClinVar:

NM_000258.3(MYL3):c.461G>A (p.Arg154His)

Gene: MYL3. ClinVar aggregate classification (germline): Uncertain significance. Uncertain significance (1).

Submissions 7 to 17 of 17:

All of Us Research Program, National Institutes of Health
Classification: Uncertain significance for Hypertrophic cardiomyopathy. Last evaluated: 2024-08-06. Review status: criteria provided, single submitter. Criteria: ACMG Guidelines, 2015. Collection method: clinical testing. Allele origin: germline. Inheritance: Autosomal dominant inheritance. Observed: 7 variant alleles, 7 heterozygotes. Not counted in ClinVar's aggregate classification.
Comment: This missense variant replaces arginine with histidine at codon 154 of the MYL3 protein. Computational prediction suggests that this variant may have deleterious impact on protein structure and function (internally defined REVEL score threshold >= 0.7, PMID: 27666373). A functional study has shown that this variant causes a lower affinity for the myosin heavy chain (PMID: 22131351). One of the individuals affected with hypertrophic cardiomyopathy also carried a pathogenic truncation in MYBPC3 that could explain the observed disease (PMID: 23054336). This variant has also been identified in 8/282774 chromosomes in the general population by the Genome Aggregation Database (gnomAD). The available evidence is insufficient to determine the role of this variant in disease conclusively. Therefore, this variant is classified as a Variant of Uncertain Significance.

This study involves interpretation of variants in research participants for the purpose of population health screening. Participant phenotype was not available at the time of variant classification. Additional details can be found in publication PMID: 35346344, PMCID: PMC8962531

ARUP Laboratories, Molecular Genetics and Genomics, ARUP Laboratories
Classification: Uncertain significance for Hypertrophic cardiomyopathy 8. Last evaluated: 2024-01-09. Review status: criteria provided, single submitter. Criteria: ARUP Molecular Germline Variant Investigation Process 2024. Collection method: clinical testing. Allele origin: germline. Not counted in ClinVar's aggregate classification.
Comment: The MYL3 c.461G>A; p.Arg154His variant (rs104893749) is reported in the literature in several individuals affected with cardiomyopathy (Alfares 2015, Burns 2017, Ingles 2017, Klauke 2017, McGurk 2023, Miller 2013, Murray 2018, Poetter 1996, Ross 2017, Sepp 2022, Walsh 2017). The variant is also reported in a homozygous state in a patient with restrictive cardiomyopathy (Klauke 2017), while both parents of the patient were reported as healthy heterozygous carriers. This variant is reported in ClinVar (Variation ID: 14062). This variant is found in the general population with an overall allele frequency of 0.003% (8/282774 alleles) in the Genome Aggregation Database (v2.1.1). Additionally, another variant at this codon (c.460C>T; p.Arg154Cys) has been reported in individuals with hypertrophic cardiomyopathy, but is currently considered a variant of uncertain significance (Alfares 2015, McGurk 2023, Walsh 2017, Zou 2013). In vitro functional studies of p.Arg154His revealed similar defects in the binding of variant MYL3 protein to myosin heavy chain when compared to other pathogenic variants in the gene (Lossie 2012). However, these functional observations are difficult to interpret, as the exact molecular mechanisms underlying the physiological defects associated with MYL3 disruption remain unknown. Computational analyses predict that this variant is deleterious (REVEL: 0.911). Due to conflicting information, the clinical significance of this variant is uncertain at this time. References: Alfares AA et al. Results of clinical genetic testing of 2,912 probands with hypertrophic cardiomyopathy: expanded panels offer limited additional sensitivity. Genet Med. 2015 Nov;17(11):880-8. PMID: 25611685. Burns C et al. Multiple Gene Variants in Hypertrophic Cardiomyopathy in the Era of Next-Generation Sequencing. Circ Cardiovasc Genet. 2017 Aug;10(4):e001666. PMID: 28790153. Ingles J et al. Nonfamilial Hypertrophic Cardiomyopathy: Prevalence, Natural History, and Clinical Implications. Circ Cardiovasc Genet. 2017 Apr;10(2):e001620. PMID: 28408708. Klauke B et al. High proportion of genetic cases in patients with advanced cardiomyopathy including a novel homozygous Plakophilin 2-gene mutation. PLoS One. 2017 Dec 18;12(12):e0189489. PMID: 29253866. Lossie J et al. Mutations of ventricular essential myosin light chain disturb myosin binding and sarcomeric sorting. Cardiovasc Res. 2012 Mar 1;93(3):390-6. PMID: 22131351. McGurk KA et al. The penetrance of rare variants in cardiomyopathy-associated genes: A cross-sectional approach to estimating penetrance for secondary findings. Am J Hum Genet. 2023 Sep 7;110(9):1482-1495. PMID: 37652022. Miller EM et al. Uptake of cardiac screening and genetic testing among hypertrophic and dilated cardiomyopathy families. J Genet Couns. 2013 Apr;22(2):258-67. doi: 10.1007/s10897-012-9544-4. PMID: 23054336. Murray B et al. Identification of sarcomeric variants in probands with a clinical diagnosis of arrhythmogenic right ventricular cardiomyopathy (ARVC). J Cardiovasc Electrophysiol. 2018 Jul;29(7):1004-1009. PMID: 29709087. Poetter K et al. Mutations in either the essential or regulatory light chains of myosin are associated with a rare myopathy in human heart and skeletal muscle. Nat Genet. 1996 May;13(1):63-9. PMID: 8673105. Ross SB et al. Burden of Recurrent and Ancestral Mutations in Families With Hypertrophic Cardiomyopathy. Circ Cardiovasc Genet. 2017 Jun;10(3):e001671. PMID: 28615295. Sepp R et al. The Genetic Architecture of Hypertrophic Cardiomyopathy in Hungary: Analysis of 242 Patients with a Panel of 98 Genes. Diagnostics (Basel). 2022 May 3;12(5):1132. PMID: 35626289. Walsh R et al. Reassessment of Mendelian gene pathogenicity using 7,855 cardiomyopathy cases and 60,706 reference samples. Genet Med. 2017 Feb;19(2):192-203. PMID: 27532257. Zou Y et al. Multiple gene mutations, not the type of mutation, are the modifier of left ventricle hypertrophy in patients with hypertrophic cardiomyopathy. Mol Biol Rep. 2013 Jun;40(6):3969-76. PMID: 23283745.

GeneDx
Classification: Uncertain significance. Last evaluated: 2022-04-11. Review status: criteria provided, single submitter. Criteria: GeneDx Variant Classification Process June 2021. Collection method: clinical testing. Allele origin: germline. Affected: yes. Not counted in ClinVar's aggregate classification.
Comment: Reported multiple times in association with hypertrophic cardiomyopathy and in one patient with arrhythmogenic right ventricular cardiomyopathy (Poetter et al., 1996; Miller et al., 2013; Burns et al., 2017; Ingles et al., 2017; Ross et al., 2017; Walsh et al., 2017; Murray et al., 2018), including one patient reported to be homozygous for the p.(R154H) variant with childhood-onset cardiomyopathy and subsequent heart transplant (Klauke et al., 2017); Observed in two individuals without hypertrophic cardiomyopathy from the offspring cohort in the Framingham Heart Study (Bick et al., 2012); Published functional study suggests that p.(R154H) causes reduced binding affinity for the cardiac myosin heavy chain (Lossie et al., 2012); however, it is unclear what impact this variant may have on protein function in vivo; In silico analysis supports that this missense variant has a deleterious effect on protein structure/function; This variant is associated with the following publications: (PMID: 23054336, 27532257, 28152038, 28615295, 17142342, 28790153, 29709087, 30706179, 22131351, 29253866, 8673105, 28408708, 22958901)

AiLife Diagnostics
Classification: Uncertain significance. Last evaluated: 2022-03-14. Review status: criteria provided, single submitter. Criteria: ACMG Guidelines, 2015. Collection method: clinical testing. Allele origin: germline. Affected: yes. Observed: 6 variant alleles. Not counted in ClinVar's aggregate classification.

Fulgent Genetics
Classification: Uncertain significance for Hypertrophic cardiomyopathy 8. Last evaluated: 2021-12-30. Review status: criteria provided, single submitter. Criteria: ACMG Guidelines, 2015. Collection method: clinical testing. Allele origin: unknown. Not counted in ClinVar's aggregate classification.

Agnes Ginges Centre for Molecular Cardiology, Centenary Institute
Classification: Uncertain significance for Hypertrophic cardiomyopathy 8. Last evaluated: 2019-06-12. Review status: criteria provided, single submitter. Criteria: ACMG Guidelines, 2015. Collection method: research. Allele origin: germline. Inheritance: Autosomal dominant inheritance. Affected: yes. Not counted in ClinVar's aggregate classification.
Comment: We previously classified the MYL3 Arg154His variant as likely pathogenic (2015). However, recent review found the MYL3 Arg154His variant is reported 8 times in GnomAD (allele frequency 0.000028, highest sub-population frequency of 0.00005). According to the adapted ACMG/AMP criteria the sub-population frequency is too high to allow PM2 to be applied (Kelly et al., 2018). In total the variant has been reported in over 15 other HCM probands by laboratories and in the literature (Walsh et al., 2017, Miller et al., 2013; Poetter et al., 1996; LMM, Pers. Comm.; GeneDx, Pers. Comm.), as well as in ARVC (Murray et al., 2018) and unaffected phenotypes (Bick et al., 2012). The ARVC and unaffected patients, suggest that this variant may not be causal or perhaps require additional risk/modifying factors to cause disease expression. More importantly, because the variant is seen at an elevated frequency this suggests that the occurrence of the variant in HCM probands is incidental, and because PM2 criteria has not been met, the probands have not been considered as evidence. In silico tools are in agreement of a deleterious role. Based on this information we have classified MYL3 Arg154His as a variant of uncertain significance.

Laboratory for Molecular Medicine, Mass General Brigham Personalized Medicine
Classification: Uncertain significance. Last evaluated: 2019-04-04. Review status: criteria provided, single submitter. Criteria: ACMG Guidelines, 2015. Collection method: clinical testing. Allele origin: germline. Not counted in ClinVar's aggregate classification.
Comment: The p.Arg154His variant in MYL3 has been identified in at least 7 individuals with HCM (Poetter 1996, Ross 2017, Walsh 2016, Wojciak pers. comm., Ambry pers. comm, LMM data). The variant segregated with disease in one affected family member (Ross 2017). This variant has also been identified in 8/277124 chromosomes by the Genome Aggregation Database (gnomAD; dbSNP rs104893749). In vitro functional studies provide some evidence that the p.Arg154His variant may impact protein function (Lossie 2012); however, these types of assays may not accurately represent biological function. Computational prediction tools and conservation analysis suggest that the p.Arg154His variant may impact the protein, though this information is not predictive enough to determine pathogenicity. In summary, the clinical significance of the p.Arg154His variant is uncertain. ACMG/AMP criteria applied: PP3, PS3_Supporting.

CHEO Genetics Diagnostic Laboratory, Children's Hospital of Eastern Ontario
Classification: Uncertain significance for Cardiomyopathy. Last evaluated: 2018-06-01. Review status: criteria provided, single submitter. Criteria: ACMG Guidelines, 2015. Collection method: clinical testing. Allele origin: germline. Not counted in ClinVar's aggregate classification.

Institut für Laboratoriums- und Transfusionsmedizin, Herz- und Diabeteszentrum Nordrhein-Westfalen
Classification: Uncertain significance for Cardiomyopathy, familial restrictive, 1. Last evaluated: 2016-05-01. Review status: no assertion criteria provided. Collection method: clinical testing. Allele origin: biparental. Affected: no. Observed: 3 variant alleles. Not counted in ClinVar's aggregate classification.

Leiden Muscular Dystrophy (MYL3)
No classification provided. Condition: Familial hypertrophic cardiomyopathy 8. Last evaluated: 2012-03-18. Review status: no classification provided. Collection method: curation. Allele origin: germline. Not counted in ClinVar's aggregate classification.

OMIM
Classification: Pathogenic for CARDIOMYOPATHY, FAMILIAL HYPERTROPHIC, 8. Last evaluated: 1996-05-01. Review status: no assertion criteria provided. Collection method: literature only. Allele origin: germline. Not counted in ClinVar's aggregate classification.

Literature cited by the submitters: PubMed 8673105 (cited by 8 submitters); PubMed 27532257 (cited by 7 submitters); PubMed 28790153 (cited by 5 submitters); PubMed 29253866 (cited by 3 submitters); PubMed 29709087 (cited by 5 submitters); PubMed 35626289 (cited by 3 submitters); PubMed 22131351 (cited by 7 submitters); PubMed 23283745 (cited by Labcorp Genetics (formerly Invitae), Labcorp); PubMed 31110529 (cited by Labcorp Genetics (formerly Invitae), Labcorp); PubMed 22958901 (cited by Ambry Genetics and Agnes Ginges Centre for Molecular Cardiology, Centenary Institute); PubMed 23054336 (cited by 4 submitters); PubMed 28408708 (cited by 3 submitters); PubMed 28615295 (cited by Ambry Genetics and Laboratory for Molecular Medicine, Mass General Brigham Personalized Medicine); PubMed 17142342 (cited by Laboratory for Molecular Medicine, Mass General Brigham Personalized Medicine).